The following is an entry in ClinVar:

NC_000018.9:g.(?_6999424)_(7000016_?)del

Gene: LAMA1 (laminin subunit alpha 1; minus strand). Cytogenetic location: 18p11.31.
Variant type: Deletion.
Identifiers: ClinVar variation 2425368 (VCV002425368.4).

ClinVar aggregate classification (germline): Pathogenic (1 of 4 stars; one submission).

Submission:

Labcorp Genetics (formerly Invitae), Labcorp
Classification: Pathogenic. Last evaluated: 2022-08-20. Review status: criteria provided, single submitter. Criteria: Invitae Variant Classification Sherloc (09022015). Collection method: clinical testing. Allele origin: germline.
Comment: For these reasons, this variant has been classified as Pathogenic. A similar copy number variant has been observed in individual(s) with Poretti-Boltshauser syndrome (PMID: 26932191). This variant is a gross deletion of the genomic region encompassing exon(s) 31-32 of the LAMA1 gene. This deletion is out-of-frame, and is expected to create a premature termination codon and result in an absent or disrupted protein product. Loss-of-function variants in LAMA1 are known to be pathogenic (PMID: 25105227, 26932191).

Literature cited by the submitters: PubMed 26932191; PubMed 25105227.